The following is an entry in ClinVar:

NM_004937.3(CTNS):c.108C>T (p.Asn36=)

Gene: CTNS (cystinosin, lysosomal cystine transporter; plus strand). Cytogenetic location: 17p13.2.
Variant type: single nucleotide variant.
Coding change: c.108C>T on transcript NM_004937.3 (MANE Select); coding-DNA position 108, C replaced by T.
Protein change: p.Asn36=; no amino-acid change (asparagine 36 retained).
Molecular consequence: synonymous variant. On other transcripts: 5 prime UTR variant (3), intron variant (1).
Genome position (GRCh38, 1-based): chr17:3,647,490, C>T. VCF-style: chr17-3647490-C-T. GRCh37 (hg19) VCF-style: chr17-3550784-C-T.
Other names: c.108C>T, p.Asn36= (NM_001031681.3, NM_001374492.1); c.-249C>T (NM_001374493.1, NM_001374496.1); c.-334C>T (NM_001374494.1); c.-217+7223C>T (NM_001374495.1).
Identifiers: ClinVar variation 322835 (VCV000322835.47), dbSNP rs117404824, ClinGen allele CA8291555.

ClinVar aggregate classification (germline): Benign/Likely benign. Review status: criteria provided, multiple submitters, no conflicts (2 of 4 stars). 8 submissions from 7 submitters: Benign (2); Likely benign (4). 2 of the submissions do not count toward it. Last evaluated 2026-09-01.

Conditions:
Cystinosis. Also called: Cystine diathesis; Cystine storage disease; Cystinoses. Identifiers: Orphanet 213, MedGen C4316899, MONDO:0016239.
Ocular cystinosis. Also called: Non-Nephropathic (Ocular) Cystinosis; Non-Nephropathic Cystinosis. Identifiers: Orphanet 213, Orphanet 411641, MedGen C2931013, MONDO:0009064, OMIM 219750.
Juvenile nephropathic cystinosis. Also called: CYSTINOSIS, LATE-ONSET JUVENILE OR ADOLESCENT NEPHROPATHIC TYPE; Later-Onset (Juvenile) Cystinosis; Intermediate Cystinosis. Identifiers: Orphanet 213, Orphanet 411634, MedGen C0268626, MONDO:0009066, OMIM 219900.
Inborn genetic diseases. Identifiers: MedGen C0950123, MeSH D030342.
Nephropathic cystinosis (CTNS). Also called: Abderhalden Lignac Kaufmann disease; Abderhalden-Kaufmann-Lignac syndrome; CYSTINOSIN, DEFECT OF; LYSOSOMAL CYSTINE TRANSPORT PROTEIN, DEFECT OF. Identifiers: Orphanet 213, Orphanet 411629, MedGen C2931187, MONDO:0100151, OMIM 219800.

Allele frequency attached by ClinVar (database versions not stated): 1000 Genomes Project 0.00200; 1000 Genomes Project 30x 0.00234; TOPMed 0.00473; ESP Exome Variant Server 0.00500; gnomAD 0.00604 and 0.00664; gnomAD exomes 0.00706 and 0.00830; ExAC 0.00774.
gnomAD v4.1: 12,928 of 1,614,108 alleles (0.8%); highest among the groups gnomAD compares: Non-Finnish European, 0.92%; 116 homozygotes.

Submissions (8):

CeGaT Center for Human Genetics Tuebingen
Classification: Likely benign. Last evaluated: 2026-09-01. Review status: criteria provided, single submitter. Criteria: CeGaT Center For Human Genetics Tuebingen Variant Classification Criteria Version 2. Collection method: clinical testing. Allele origin: germline. Affected: yes. Observed: 11 variant alleles.
Comment: CTNS: BP4, BP7, BS2

Labcorp Genetics (formerly Invitae), Labcorp
Classification: Benign for Inborn genetic diseases; Ocular cystinosis; Juvenile nephropathic cystinosis. Last evaluated: 2026-02-02. Review status: criteria provided, single submitter. Criteria: Invitae Variant Classification Sherloc (09022015). Collection method: clinical testing. Allele origin: germline.

Women's Health and Genetics/Laboratory Corporation of America, LabCorp
Classification: Benign. Last evaluated: 2020-10-04. Review status: criteria provided, single submitter. Criteria: LabCorp Variant Classification Summary - May 2015. Collection method: clinical testing. Allele origin: germline.

Illumina Laboratory Services, Illumina
Classification: Likely benign for Nephropathic cystinosis. Last evaluated: 2018-01-13. Review status: criteria provided, single submitter. Criteria: ICSL Variant Classification Criteria 13 December 2019. Collection method: clinical testing. Allele origin: germline.
Comment: This variant was observed in the ICSL laboratory as part of a predisposition screen in an ostensibly healthy population. It had not been previously curated by ICSL or reported in the Human Gene Mutation Database (HGMD: prior to June 1st, 2018), and was therefore a candidate for classification through an automated scoring system. Utilizing variant allele frequency, disease prevalence and penetrance estimates, and inheritance mode, an automated score was calculated to assess if this variant is too frequent to cause the disease. Based on the score and internal cut-off values, a variant classified as likely benign is not then subjected to further curation. The score for this variant resulted in a classification of likely benign for this disease.

Illumina Laboratory Services, Illumina
Classification: Likely benign for Ocular cystinosis. Last evaluated: 2018-01-13. Review status: criteria provided, single submitter. Criteria: ICSL Variant Classification Criteria 13 December 2019. Collection method: clinical testing. Allele origin: germline.
Comment: the same text as in the submission from Illumina Laboratory Services, Illumina above.

Breakthrough Genomics
Classification: Likely benign. Review status: criteria provided, single submitter. Criteria: ACMG Guidelines, 2015. Collection method: not provided. Allele origin: germline. Inheritance: Autosomal recessive inheritance. Affected: yes.

Natera, Inc.
Classification: Benign for Cystinosis. Last evaluated: 2020-09-16. Review status: no assertion criteria provided. Collection method: clinical testing. Allele origin: germline. Not counted in ClinVar's aggregate classification.

Mayo Clinic Laboratories, Mayo Clinic
Classification: Benign. Last evaluated: 2017-05-16. Review status: no assertion criteria provided. Collection method: clinical testing. Allele origin: unknown. Not counted in ClinVar's aggregate classification.